The following is an entry in ClinVar:

ClinVar aggregate classification (germline): Benign/Likely benign. Review status: criteria provided, multiple submitters, no conflicts (2 of 4 stars). 2 submissions from 2 submitters: Benign (1); Likely benign (1). Last evaluated 2026-07-01.

Allele frequency attached by ClinVar (database versions not stated): 1000 Genomes Project 30x 0.00078; 1000 Genomes Project 0.00080; gnomAD exomes 0.00269; ExAC 0.00276; TOPMed 0.00290; gnomAD 0.00293 and 0.00304; ESP Exome Variant Server 0.00344.
gnomAD v4.1: 7,533 of 1,608,280 alleles (0.47%); highest among the groups gnomAD compares: Non-Finnish European, 0.59%; 20 homozygotes.

Submissions (2):

CeGaT Center for Human Genetics Tuebingen
Classification: Likely benign. Last evaluated: 2026-07-01. Review status: criteria provided, single submitter. Criteria: CeGaT Center For Human Genetics Tuebingen Variant Classification Criteria Version 2. Collection method: clinical testing. Allele origin: germline. Affected: yes. Observed: 2 variant alleles.
Comment: TNRC18: BP4, BP7, BS2

Labcorp Genetics (formerly Invitae), Labcorp
Classification: Benign. Last evaluated: 2019-12-31. Review status: criteria provided, single submitter. Criteria: Invitae Variant Classification Sherloc (09022015). Collection method: clinical testing. Allele origin: germline.

NM_001080495.3(TNRC18):c.3727C>T (p.Leu1243=)

Gene: TNRC18 (trinucleotide repeat containing 18; minus strand). Cytogenetic location: 7p22.1.
Variant type: single nucleotide variant.
Coding change: c.3727C>T on transcript NM_001080495.3 (MANE Select); coding-DNA position 3727, C replaced by T.
Protein change: p.Leu1243=; no amino-acid change (leucine 1243 retained).
Molecular consequence: synonymous variant.
Genome position (GRCh38, 1-based): chr7:5,370,867, G>A on the plus strand (C>T on the coding strand, the complement: TNRC18 is on the minus strand). VCF-style: chr7-5370867-G-A. GRCh37 (hg19) VCF-style: chr7-5410498-G-A.
Identifiers: ClinVar variation 720129 (VCV000720129.28), dbSNP rs61743883, ClinGen allele CA4144925.